The following is an entry in ClinVar:

ClinVar aggregate classification (germline): Conflicting classifications of pathogenicity. Review status: criteria provided, conflicting classifications (1 of 4 stars). 2 submissions from 2 submitters: Uncertain significance (1); Likely benign (1). Last evaluated 2024-07-09.

gnomAD v4.1: 1 of 1,614,210 alleles (0.000062%); highest among the groups gnomAD compares: South Asian, 0.0011%; no homozygotes.

Submissions (2):

Quest Diagnostics Nichols Institute San Juan Capistrano
Classification: Uncertain significance. Last evaluated: 2024-07-09. Review status: criteria provided, single submitter. Criteria: Quest Diagnostics criteria. Collection method: clinical testing. Allele origin: unknown.
Comment: The GALNT12 c.1272C>T (p.Asp424=) synonymous variant has not been reported in individuals with GALNT12-related conditions in the published literature. It also has not been reported in large, multi-ethnic general populations (Genome Aggregation Database). Analysis of this variant using software algorithms for the prediction of the effect of nucleotide changes on splicing yielded predictions that this variant does not affect GALNT12 mRNA splicing. Based on the available information, we are unable to determine the clinical significance of this variant.

Ambry Genetics
Classification: Likely benign. Last evaluated: 2020-09-18. Review status: criteria provided, single submitter. Criteria: Ambry Variant Classification Scheme 2023. Collection method: clinical testing. Allele origin: germline.

NM_024642.5(GALNT12):c.1272C>T (p.Asp424=)

Gene: GALNT12 (polypeptide N-acetylgalactosaminyltransferase 12; plus strand). Cytogenetic location: 9q22.33.
Variant type: single nucleotide variant.
Coding change: c.1272C>T on transcript NM_024642.5 (MANE Select); coding-DNA position 1272, C replaced by T.
Protein change: p.Asp424=; no amino-acid change (aspartic acid 424 retained).
Molecular consequence: synonymous variant.
Genome position (GRCh38, 1-based): chr9:98,840,061, C>T. VCF-style: chr9-98840061-C-T. GRCh37 (hg19) VCF-style: chr9-101602343-C-T.
Identifiers: ClinVar variation 1765735 (VCV001765735.3), dbSNP rs1420217487, ClinGen allele CA466425128.